The following is an entry in ClinVar:

NM_001366385.1(CARD14):c.676-774C>T

Gene: CARD14 (caspase recruitment domain family member 14; plus strand). Cytogenetic location: 17q25.3.
Variant type: single nucleotide variant.
Coding change: c.676-774C>T on transcript NM_001366385.1 (MANE Select); 774 bases into the intron before coding-DNA position 676, C replaced by T.
Molecular consequence: intron variant.
Genome position (GRCh38, 1-based): chr17:80,187,603, C>T. VCF-style: chr17-80187603-C-T. GRCh37 (hg19) VCF-style: chr17-78161402-C-T.
Other names: c.676-774C>T (NM_024110.4, NM_001257970.1).
Identifiers: ClinVar variation 2688409 (VCV002688409.2), dbSNP rs3829612, ClinGen allele CA14427155.

ClinVar aggregate classification (germline): Benign (1 of 4 stars; one submission).

Allele frequency attached by ClinVar (database versions not stated): TOPMed 0.28938; 1000 Genomes Project 30x 0.29544; 1000 Genomes Project 0.30032; gnomAD 0.30103.
gnomAD v4.1: 45,917 of 152,130 alleles (30%); highest among the groups gnomAD compares: Middle Eastern, 40%; 7,488 homozygotes.

Submission:

Unidad de Genómica Garrahan, Hospital de Pediatría Garrahan
Classification: Benign. Last evaluated: 2024-01-24. Review status: criteria provided, single submitter. Criteria: ACMG Guidelines, 2015. Collection method: clinical testing. Allele origin: germline. Affected: no. Observed: 46 variant alleles.
Comment: This variant is classified as Benign based on local population frequency. This variant was detected in 52% of patients studied by a panel of primary immunodeficiencies. Number of patients: 46. Only high quality variants are reported.